The following is an entry in ClinVar:

ClinVar aggregate classification (germline): Likely pathogenic. Review status: criteria provided, multiple submitters, no conflicts (2 of 4 stars). 2 submissions from 2 submitters: Likely pathogenic (2). Last evaluated 2026-06-17.

Conditions:
KLHL40-related disorder. Also called: KLHL40-related condition.
Nemaline myopathy 8 (NEM8). Also called: Nemaline myopathy 8, autosomal recessive. Identifiers: Orphanet 171430, MedGen C3809209, MONDO:0014138, OMIM 615348.

Allele frequency attached by ClinVar (database versions not stated): gnomAD exomes below 0.00001 and 0.00001; ExAC 0.00001; TOPMed 0.00001.
gnomAD v4.1: 3 of 1,613,748 alleles (0.00019%); highest among the groups gnomAD compares: Admixed American, 0.005%; no homozygotes.

Submissions (2):

PreventionGenetics, part of Exact Sciences
Classification: Likely pathogenic for KLHL40-related condition. Last evaluated: 2026-06-17. Review status: criteria provided, single submitter. Criteria: ACMG Guidelines, 2015. Collection method: clinical testing. Allele origin: germline.
Comment: The KLHL40 c.1153-2A>T variant is predicted to disrupt the AG splice acceptor site and interfere with normal splicing. This variant has been reported in the compound heterozygous state with a frameshift variant in an individual with nemaline myopathy (Meng et al. 2017. PubMed ID: 28973083). This variant is reported in 0.0029% of alleles in individuals of Latino descent in gnomAD. Variants that disrupt the consensus splice acceptor site in KLHL40 are expected to be pathogenic. This variant is interpreted as likely pathogenic.

Labcorp Genetics (formerly Invitae), Labcorp
Classification: Likely pathogenic for Nemaline myopathy 8. Last evaluated: 2024-08-13. Review status: criteria provided, single submitter. Criteria: Invitae Variant Classification Sherloc (09022015). Collection method: clinical testing. Allele origin: germline.
Comment: This sequence change affects an acceptor splice site in intron 1 of the KLHL40 gene. It is expected to disrupt RNA splicing. Variants that disrupt the donor or acceptor splice site typically lead to a loss of protein function (PMID: 16199547), and loss-of-function variants in KLHL40 are known to be pathogenic (PMID: 23746549). This variant is present in population databases (rs752493018, gnomAD 0.003%). Disruption of this splice site has been observed in individual(s) with clinical features of KLHL40-related conditions (PMID: 28973083). ClinVar contains an entry for this variant (Variation ID: 541330). Algorithms developed to predict the effect of sequence changes on RNA splicing suggest that this variant may disrupt the consensus splice site. In summary, the currently available evidence indicates that the variant is pathogenic, but additional data are needed to prove that conclusively. Therefore, this variant has been classified as Likely Pathogenic.

Literature cited by the submitters: PubMed 16199547 (cited by Labcorp Genetics (formerly Invitae), Labcorp); PubMed 23746549 (cited by Labcorp Genetics (formerly Invitae), Labcorp); PubMed 28973083 (cited by Labcorp Genetics (formerly Invitae), Labcorp).

NM_152393.4(KLHL40):c.1153-2A>T

Gene: KLHL40 (kelch like family member 40; plus strand). Cytogenetic location: 3p22.1.
Variant type: single nucleotide variant.
Coding change: c.1153-2A>T on transcript NM_152393.4 (MANE Select); the canonical splice acceptor site of the intron before coding-DNA position 1153, A replaced by T.
Molecular consequence: splice acceptor variant.
Genome position (GRCh38, 1-based): chr3:42,688,140, A>T. VCF-style: chr3-42688140-A-T. GRCh37 (hg19) VCF-style: chr3-42729632-A-T.
Identifiers: ClinVar variation 541330 (VCV000541330.8), dbSNP rs752493018, ClinGen allele CA2336841.